The following is an entry in ClinVar:

NM_001160148.2(DDHD1):c.837C>T (p.Asn279=)

Genes: DDHD1 (DDHD domain containing 1; minus strand), LOC130055658 (ATAC-STARR-seq lymphoblastoid active region 8401; plus strand). Cytogenetic location: 14q22.1.
Variant type: single nucleotide variant.
Coding change: c.837C>T on transcript NM_001160148.2 (MANE Select); coding-DNA position 837, C replaced by T.
Protein change: p.Asn279=; no amino-acid change (asparagine 279 retained).
Molecular consequence: synonymous variant.
Genome position (GRCh38, 1-based): chr14:53,152,262, G>A on the plus strand (C>T on the coding strand, the complement: DDHD1 is on the minus strand). VCF-style: chr14-53152262-G-A. GRCh37 (hg19) VCF-style: chr14-53618980-G-A.
Other names: c.837C>T, p.Asn279= (NM_001160147.2, NM_030637.3).
Identifiers: ClinVar variation 1437275 (VCV001437275.3), dbSNP rs758999007, ClinGen allele CA7191403.

ClinVar aggregate classification (germline): Uncertain significance (1 of 4 stars; one submission).

Conditions:
Hereditary spastic paraplegia 28. Also called: Spastic paraplegia 28, autosomal recessive. Identifiers: Orphanet 101008, MedGen C1836295, MONDO:0012256, OMIM 609340.

Allele frequency attached by ClinVar (database versions not stated): TOPMed 0.00001; gnomAD 0.00002; gnomAD exomes 0.00002 and 0.00011; ExAC 0.00003.
gnomAD v4.1: 165 of 1,601,682 alleles (0.01%); highest among the groups gnomAD compares: Non-Finnish European, 0.014%; no homozygotes.

Submission:

Labcorp Genetics (formerly Invitae), Labcorp
Classification: Uncertain significance for Hereditary spastic paraplegia 28. Last evaluated: 2022-05-27. Review status: criteria provided, single submitter. Criteria: Invitae Variant Classification Sherloc (09022015). Collection method: clinical testing. Allele origin: germline.
Comment: This sequence change affects codon 279 of the DDHD1 mRNA. It is a 'silent' change, meaning that it does not change the encoded amino acid sequence of the DDHD1 protein. It affects a nucleotide within the consensus splice site. This variant is present in population databases (rs758999007, gnomAD 0.004%). This variant has not been reported in the literature in individuals affected with DDHD1-related conditions. Algorithms developed to predict the effect of sequence changes on RNA splicing suggest that this variant is not likely to affect RNA splicing. In summary, the available evidence is currently insufficient to determine the role of this variant in disease. Therefore, it has been classified as a Variant of Uncertain Significance.